The following is an entry in ClinVar:

NM_015046.7(SETX):c.6637C>G (p.Pro2213Ala)

Gene: SETX (senataxin; minus strand). Cytogenetic location: 9q34.13.
Variant type: single nucleotide variant.
Coding change: c.6637C>G on transcript NM_015046.7 (MANE Select); coding-DNA position 6637, C replaced by G.
Protein change: p.Pro2213Ala; replaces proline 2213 with alanine.
Molecular consequence: missense variant.
Genome position (GRCh38, 1-based): chr9:132,281,484, G>C on the plus strand (C>G on the coding strand, the complement: SETX is on the minus strand). VCF-style: chr9-132281484-G-C. GRCh37 (hg19) VCF-style: chr9-135156871-G-C.
Other names: c.6637C>G, p.Pro2213Ala (NM_001351527.2, NM_001351528.2); short protein forms P2213A.
Identifiers: ClinVar variation 930621 (VCV000930621.3), dbSNP rs1843502057, ClinGen allele CA375333431.
Genomic context (GRCh38, chr9:132,281,484, plus strand): 5'-AAGCCCCTTCCATTTTAAAGCAATCTGAACATAAAAAACTTACCATAGAGATGACTGTCG[G>C]AGGGAGCTGCTTAGGATCTCCTACTAGGATGAGCTTATTGCAGCGATGGATGAGTGGAGT-3'
Protein context (NP_055861.3, residues 2203-2223): ILVGDPKQLP[Pro2213Ala]TVISMKAQEY

ClinVar aggregate classification (germline): Uncertain significance (1 of 4 stars; one submission).

Conditions:
Spinocerebellar ataxia, autosomal recessive, with axonal neuropathy 2 (SCAN2). Also called: Ataxia-ocular apraxia-2; Ataxia with Oculomotor Apraxia; ATAXIA-OCULOMOTOR APRAXIA 2; Ataxia with Oculomotor Apraxia Type 2. Identifiers: Orphanet 64753, MedGen C1853761, MONDO:0018996, OMIM 606002.

Allele frequency attached by ClinVar (database versions not stated): gnomAD exomes below 0.00001.
gnomAD v4.1: 2 of 1,613,054 alleles (0.00012%); highest among the groups gnomAD compares: Non-Finnish European, 0.00017%; no homozygotes.

Submission:

Centre for Mendelian Genomics, University Medical Centre Ljubljana
Classification: Uncertain significance for Spinocerebellar ataxia, autosomal recessive, with axonal neuropathy 2. Last evaluated: 2019-04-23. Review status: criteria provided, single submitter. Criteria: ACMG Guidelines, 2015. Collection method: clinical testing. Allele origin: unknown. Affected: yes.
Comment: This variant was classified as: Uncertain significance. The available evidence on this variant's pathogenicity is insufficient or conflicting. The following ACMG criteria were applied in classifying this variant: PM2,PM5,PP3.